The following is an entry in ClinVar:

ClinVar aggregate classification (germline): Likely benign. Review status: criteria provided, multiple submitters, no conflicts (2 of 4 stars). 3 submissions from 3 submitters: Likely benign (2). 1 of the submissions does not count toward it. Last evaluated 2025-02-17.

Conditions:
CABP4-related disorder. Also called: CABP4-related condition.

gnomAD v4.1: 40 of 1,607,580 alleles (0.0025%); highest among the groups gnomAD compares: Middle Eastern, 0.049%; no homozygotes.

Submissions (3):

Labcorp Genetics (formerly Invitae), Labcorp
Classification: Likely benign. Last evaluated: 2025-02-17. Review status: criteria provided, single submitter. Criteria: Invitae Variant Classification Sherloc (09022015). Collection method: clinical testing. Allele origin: germline.

Blueprint Genetics
Classification: Likely benign. Last evaluated: 2024-10-17. Review status: criteria provided, single submitter. Criteria: ACMG Guidelines, 2015. Collection method: clinical testing. Allele origin: germline.

PreventionGenetics, part of Exact Sciences
Classification: Likely benign for CABP4-related condition. Last evaluated: 2019-07-03. Review status: no assertion criteria provided. Collection method: clinical testing. Allele origin: germline. Not counted in ClinVar's aggregate classification.
Comment: This variant is classified as likely benign based on ACMG/AMP sequence variant interpretation guidelines (Richards et al. 2015 PMID: 25741868, with internal and published modifications).

NM_145200.5(CABP4):c.541+8A>T

Gene: CABP4 (calcium binding protein 4; plus strand). Cytogenetic location: 11q13.2.
Variant type: single nucleotide variant.
Coding change: c.541+8A>T on transcript NM_145200.5 (MANE Select); 8 bases into the intron after coding-DNA position 541, A replaced by T.
Molecular consequence: intron variant.
Genome position (GRCh38, 1-based): chr11:67,456,450, A>T. VCF-style: chr11-67456450-A-T. GRCh37 (hg19) VCF-style: chr11-67223921-A-T.
Other names: c.226+8A>T (NM_001379183.1, NM_001300896.3, NM_001300895.3); c.541+8A>T (NM_145200.3).
Identifiers: ClinVar variation 2193692 (VCV002193692.7), dbSNP rs1638565, ClinGen allele CA6140252.